The following is an entry in ClinVar:

ClinVar aggregate classification (germline): Uncertain significance (1 of 4 stars; one submission).

Submission:

GeneDx
Classification: Uncertain significance. Last evaluated: 2025-01-27. Review status: criteria provided, single submitter. Criteria: GeneDx Variant Classification Process June 2021. Collection method: clinical testing. Allele origin: germline. Affected: yes.
Comment: Not observed at significant frequency in large population cohorts (gnomAD); In silico analysis supports that this missense variant has a deleterious effect on protein structure/function; Has not been previously published as pathogenic or benign to our knowledge

NM_004415.4(DSP):c.7046C>T (p.Ser2349Phe)

Gene: DSP (desmoplakin; plus strand). Cytogenetic location: 6p24.3.
Variant type: single nucleotide variant.
Coding change: c.7046C>T on transcript NM_004415.4 (MANE Select); coding-DNA position 7046, C replaced by T.
Protein change: p.Ser2349Phe; replaces serine 2349 with phenylalanine.
Molecular consequence: missense variant.
Genome position (GRCh38, 1-based): chr6:7,584,308, C>T. VCF-style: chr6-7584308-C-T. GRCh37 (hg19) VCF-style: chr6-7584541-C-T.
Other names: c.5249C>T, p.Ser1750Phe (NM_001008844.3); c.5717C>T, p.Ser1906Phe (NM_001319034.2); short protein forms S1750F, S1906F, S2349F.
Identifiers: ClinVar variation 4072541 (VCV004072541.1).